The following is an entry in ClinVar:

ClinVar aggregate classification (germline): Conflicting classifications of pathogenicity. Review status: criteria provided, conflicting classifications (1 of 4 stars). 4 submissions from 4 submitters: Uncertain significance (3); Likely benign (1). Last evaluated 2025-04-18.

Conditions:
Hereditary breast ovarian cancer syndrome. Also called: Hereditary breast and ovarian cancer; Hereditary breast and ovarian cancer syndrome; Hereditary breast and/or ovarian cancer syndrome; BRCA1- and BRCA2-Associated Hereditary Breast and Ovarian Cancer; Hereditary breast and ovarian cancer syndrome (HBOC); Breast and ovarian cancer. Identifiers: Orphanet 145, MedGen C0677776, MeSH D061325, MONDO:0003582. Disease mechanism: loss of function.
Hereditary cancer-predisposing syndrome. Also called: Tumor predisposition; Hereditary neoplastic syndrome; Hereditary Cancer Syndrome; Neoplastic Syndromes, Hereditary. Identifiers: Orphanet 140162, MedGen C0027672, MeSH D009386, MONDO:0015356.

Allele frequency attached by ClinVar (database versions not stated): gnomAD exomes 0.00001; ExAC 0.00002.
gnomAD v4.1: 3 of 1,613,904 alleles (0.00019%); highest among the groups gnomAD compares: South Asian, 0.0033%; no homozygotes.

Submissions (4):

Ambry Genetics
Classification: Uncertain significance for Hereditary cancer-predisposing syndrome. Last evaluated: 2025-04-18. Review status: criteria provided, single submitter. Criteria: Ambry Variant Classification Scheme 2023. Collection method: clinical testing. Allele origin: germline.
Comment: The p.E790K variant (also known as c.2368G>A), located in coding exon 10 of the BRCA2 gene, results from a G to A substitution at nucleotide position 2368. The glutamic acid at codon 790 is replaced by lysine, an amino acid with similar properties. This amino acid position is not well conserved in available vertebrate species. In addition, this alteration is predicted to be tolerated by in silico analysis. Based on the available evidence, the clinical significance of this variant remains unclear.

Labcorp Genetics (formerly Invitae), Labcorp
Classification: Uncertain significance for Hereditary breast ovarian cancer syndrome. Last evaluated: 2024-05-18. Review status: criteria provided, single submitter. Criteria: Invitae Variant Classification Sherloc (09022015). Collection method: clinical testing. Allele origin: germline.
Comment: This sequence change replaces glutamic acid, which is acidic and polar, with lysine, which is basic and polar, at codon 790 of the BRCA2 protein (p.Glu790Lys). This variant is present in population databases (rs398122746, gnomAD 0.007%). This variant has not been reported in the literature in individuals affected with BRCA2-related conditions. ClinVar contains an entry for this variant (Variation ID: 1171208). Advanced modeling of protein sequence and biophysical properties (such as structural, functional, and spatial information, amino acid conservation, physicochemical variation, residue mobility, and thermodynamic stability) performed at Invitae indicates that this missense variant is not expected to disrupt BRCA2 protein function with a negative predictive value of 95%. In summary, the available evidence is currently insufficient to determine the role of this variant in disease. Therefore, it has been classified as a Variant of Uncertain Significance.

University of Washington Department of Laboratory Medicine, University of Washington
Classification: Likely benign for Hereditary cancer-predisposing syndrome. Last evaluated: 2023-03-23. Review status: criteria provided, single submitter. Criteria: Dines et al. (Genet Med. 2020). Collection method: curation. Allele origin: germline.
Comment: Missense variant in a coldspot region where missense variants are very unlikely to be pathogenic (PMID:31911673).

BRCA2 exon 11 coldspot. Reclassification based on statistical prior probability.

Color Diagnostics, LLC DBA Color Health
Classification: Uncertain significance for Hereditary cancer-predisposing syndrome. Last evaluated: 2020-12-15. Review status: criteria provided, single submitter. Criteria: ACMG Guidelines, 2015. Collection method: clinical testing. Allele origin: germline.
Comment: This missense variant replaces glutamic acid with lysine at codon 790 of the BRCA2 protein. Computational prediction is inconclusive regarding the impact of this variant on protein structure and function (internally defined REVEL score threshold 0.5 < inconclusive < 0.7, PMID: 27666373). To our knowledge, functional studies have not been reported for this variant. This variant has not been reported in individuals affected with hereditary cancer in the literature. This variant has been identified in 2/250628 chromosomes in the general population by the Genome Aggregation Database (gnomAD). The available evidence is insufficient to determine the role of this variant in disease conclusively. Therefore, this variant is classified as a Variant of Uncertain Significance.

NM_000059.4(BRCA2):c.2368G>A (p.Glu790Lys)

Gene: BRCA2 (BRCA2 DNA repair associated; plus strand). Cytogenetic location: 13q13.1.
Variant type: single nucleotide variant.
Coding change: c.2368G>A on transcript NM_000059.4 (MANE Select); coding-DNA position 2368, G replaced by A.
Protein change: p.Glu790Lys; replaces glutamic acid 790 with lysine.
Molecular consequence: missense variant.
Genome position (GRCh38, 1-based): chr13:32,336,723, G>A. VCF-style: chr13-32336723-G-A. GRCh37 (hg19) VCF-style: chr13-32910860-G-A.
Other names: short protein forms E790K.
Identifiers: ClinVar variation 1171208 (VCV001171208.7), dbSNP rs398122746, ClinGen allele CA6940601.
Genomic context (GRCh38, chr13:32,336,723, plus strand): 5'-ATTTTAACTCCTACTTCCAAGGATGTTCTGTCAAACCTAGTCATGATTTCTAGAGGCAAA[G>A]AATCATACAAAATGTCAGACAAGCTCAAAGGTAACAATTATGAATCTGATGTTGAATTAA-3'
Protein context (NP_000050.3, residues 780-800): SNLVMISRGK[Glu790Lys]SYKMSDKLKG